The following is an entry in ClinVar:

NM_001037333.3(CYFIP2):c.1571G>A (p.Arg524Gln)

Gene: CYFIP2 (cytoplasmic FMR1 interacting protein 2; plus strand). Cytogenetic location: 5q33.3.
Variant type: single nucleotide variant.
Coding change: c.1571G>A on transcript NM_001037333.3 (MANE Select); coding-DNA position 1571, G replaced by A.
Protein change: p.Arg524Gln; replaces arginine 524 with glutamine.
Molecular consequence: missense variant.
Genome position (GRCh38, 1-based): chr5:157,320,702, G>A. VCF-style: chr5-157320702-G-A. GRCh37 (hg19) VCF-style: chr5-156747710-G-A.
Other names: c.1493G>A, p.Arg498Gln (NM_001291721.2); c.1571G>A, p.Arg524Gln (NM_001291722.2, NM_014376.4); short protein forms R498Q, R524Q.
Identifiers: ClinVar variation 2986342 (VCV002986342.3), dbSNP rs746795054, ClinGen allele CA3533646.
Genomic context (GRCh38, chr5:157,320,702, plus strand): 5'-CTTCCTTCCCCAGCGTCCTACAGGCAATTCGAAAGACCATCTGTGACTGGGAGGGAGGGC[G>A]AGAGCCCCCTAATGACCCATGCTTGAGAGGGGAGAAGGACCCCAAAGGTGGATTTGATAT-3'
Protein context (NP_001032410.1, residues 514-534): RKTICDWEGG[Arg524Gln]EPPNDPCLRG

ClinVar aggregate classification (germline): Uncertain significance (1 of 4 stars; one submission).

Allele frequency attached by ClinVar (database versions not stated): gnomAD exomes below 0.00001; ExAC 0.00001; gnomAD 0.00001.
gnomAD v4.1: 5 of 1,613,740 alleles (0.00031%); highest among the groups gnomAD compares: East Asian, 0.0022%; no homozygotes.

Submission:

Labcorp Genetics (formerly Invitae), Labcorp
Classification: Uncertain significance. Last evaluated: 2023-04-07. Review status: criteria provided, single submitter. Criteria: Invitae Variant Classification Sherloc (09022015). Collection method: clinical testing. Allele origin: germline.
Comment: The frequency data for this variant in the population databases is considered unreliable, as metrics indicate poor data quality at this position in the gnomAD database. This sequence change replaces arginine, which is basic and polar, with glutamine, which is neutral and polar, at codon 524 of the CYFIP2 protein (p.Arg524Gln). This variant has not been reported in the literature in individuals affected with CYFIP2-related conditions. Experimental studies and prediction algorithms are not available or were not evaluated, and the functional significance of this variant is currently unknown. In summary, the available evidence is currently insufficient to determine the role of this variant in disease. Therefore, it has been classified as a Variant of Uncertain Significance.